The following is an entry in ClinVar:

NM_020207.7(ERCC6L2):c.1087A>G (p.Lys363Glu)

Gene: ERCC6L2 (ERCC excision repair 6 like 2; plus strand). Cytogenetic location: 9q22.32.
Variant type: single nucleotide variant.
Coding change: c.1087A>G on transcript NM_020207.7 (MANE Select); coding-DNA position 1087, A replaced by G.
Protein change: p.Lys363Glu; replaces lysine 363 with glutamic acid.
Molecular consequence: missense variant. On other transcripts: non-coding transcript variant (1).
Genome position (GRCh38, 1-based): chr9:95,916,363, A>G. VCF-style: chr9-95916363-A-G. GRCh37 (hg19) VCF-style: chr9-98678645-A-G.
Other names: c.1087A>G, p.Lys363Glu (NM_001010895.4, NM_001375291.1, NM_001375292.1 and 2 more transcripts); short protein forms K363E.
Identifiers: ClinVar variation 5007477 (VCV005007477.3).

ClinVar aggregate classification (germline): Uncertain significance. Review status: criteria provided, multiple submitters, no conflicts (2 of 4 stars). 2 submissions from 2 submitters: Uncertain significance (2). Last evaluated 2026-07-05.

Conditions:
Inborn genetic diseases. Identifiers: MedGen C0950123, MeSH D030342.
Pancytopenia-developmental delay syndrome. Also called: Bone marrow failure syndrome 2. Identifiers: Orphanet 401764, MedGen C3810350, MONDO:0014317, OMIM 615715.

Submissions (2):

Ambry Genetics
Classification: Uncertain significance for Inborn genetic diseases. Last evaluated: 2026-07-05. Review status: criteria provided, single submitter. Criteria: Ambry Variant Classification Scheme 2023. Collection method: clinical testing. Allele origin: germline.
Comment: The p.K363E variant (also known as c.1087A>G), located in coding exon 6 of the ERCC6L2 gene, results from an A to G substitution at nucleotide position 1087. The lysine at codon 363 is replaced by glutamic acid, an amino acid with similar properties. This amino acid position is conserved. In addition, the in silico prediction for this alteration is inconclusive. Based on the available evidence, the clinical significance of this variant remains unclear.

Juno Genomics, Hangzhou Juno Genomics, Inc
Classification: Uncertain significance for Pancytopenia-developmental delay syndrome. Review status: criteria provided, single submitter. Criteria: ACMG Guidelines, 2015. Collection method: clinical testing. Allele origin: germline.
Comment: Absent from controls (or at extremely low frequency if recessive) in Genome Aggregation Database.